The following is an entry in ClinVar:

ClinVar aggregate classification (germline): Uncertain significance (1 of 4 stars; one submission).

Conditions:
Bethlem myopathy 1A. Also called: Bethlem myopathy 1; Bethlem Muscular Dystrophy; MYOPATHY, BENIGN CONGENITAL, WITH CONTRACTURES. Identifiers: Orphanet 610, MedGen CN029274, MONDO:0024530, OMIM 158810.

Submission:

Labcorp Genetics (formerly Invitae), Labcorp
Classification: Uncertain significance for Bethlem myopathy 1A. Last evaluated: 2021-11-27. Review status: criteria provided, single submitter. Criteria: Invitae Variant Classification Sherloc (09022015). Collection method: clinical testing. Allele origin: germline.
Comment: In summary, the available evidence is currently insufficient to determine the role of this variant in disease. Therefore, it has been classified as a Variant of Uncertain Significance. Advanced modeling of protein sequence and biophysical properties (such as structural, functional, and spatial information, amino acid conservation, physicochemical variation, residue mobility, and thermodynamic stability) performed at Invitae indicates that this missense variant is not expected to disrupt COL6A3 protein function. This variant has not been reported in the literature in individuals affected with COL6A3-related conditions. This variant is not present in population databases (gnomAD no frequency). This sequence change replaces valine, which is neutral and non-polar, with leucine, which is neutral and non-polar, at codon 2078 of the COL6A3 protein (p.Val2078Leu).

NM_004369.4(COL6A3):c.6232G>C (p.Val2078Leu)

Gene: COL6A3 (collagen type VI alpha 3 chain; minus strand). Cytogenetic location: 2q37.3.
Variant type: single nucleotide variant.
Coding change: c.6232G>C on transcript NM_004369.4 (MANE Select); coding-DNA position 6232, G replaced by C.
Protein change: p.Val2078Leu; replaces valine 2078 with leucine.
Molecular consequence: missense variant.
Genome position (GRCh38, 1-based): chr2:237,360,138, C>G on the plus strand (G>C on the coding strand, the complement: COL6A3 is on the minus strand). VCF-style: chr2-237360138-C-G. GRCh37 (hg19) VCF-style: chr2-238268781-C-G.
Other names: c.4411G>C, p.Val1471Leu (NM_057166.5); c.5614G>C, p.Val1872Leu (NM_057167.4); short protein forms V1872L, V2078L, V1471L.
Identifiers: ClinVar variation 1491222 (VCV001491222.6), dbSNP rs2106342286, ClinGen allele CA351216663.